The following is an entry in ClinVar:

NM_001042492.3(NF1):c.3214_3217dup (p.Met1073fs)

Gene: NF1 (neurofibromin 1; plus strand). Cytogenetic location: 17q11.2.
Variant type: Duplication.
Coding change: c.3214_3217dup on transcript NM_001042492.3 (MANE Select); coding-DNA positions 3214 to 3217, 4 bases duplicated (AGCA; older notation c.3214_3217dupAGCA).
Protein change: p.Met1073fs; shifts the reading frame from methionine 1073.
Molecular consequence: frameshift variant.
Genome position (GRCh38, 1-based): chr17:31,232,089-31,232,092, AGCA duplicated; duplicating any 4 consecutive bases within chr17:31,232,086-31,232,092 gives the same sequence; the c. name uses the placement nearest the transcript's 3' end. VCF-style (leftmost placement, unchanged base first): chr17-31232085-G-GGCAA. GRCh37 (hg19) VCF-style: chr17-29559103-G-GGCAA.
Other names: c.3214_3217dup, p.Met1073fs (NM_000267.4); short protein forms M1073fs.
Identifiers: ClinVar variation 5005733 (VCV005005733.2).

ClinVar aggregate classification (germline): Pathogenic (1 of 4 stars; one submission).

Conditions:
Juvenile myelomonocytic leukemia (JMML). Also called: LEUKEMIA, JUVENILE MYELOMONOCYTIC, SOMATIC. Identifiers: Orphanet 86834, MedGen C0349639, MONDO:0011908, OMIM 607785, HP:0012209.
Neurofibromatosis-Noonan syndrome (NFNS). Also called: NEUROFIBROMATOSIS WITH NOONAN PHENOTYPE. Identifiers: Orphanet 638, MedGen C2931482, MONDO:0011035, OMIM 601321. Disease mechanism: loss of function.
Café-au-lait macules with pulmonary stenosis (WTSN). Also called: PULMONIC STENOSIS WITH CAFE-AU-LAIT SPOTS. Identifiers: MedGen C0553586, MONDO:0008672, OMIM 193520.
Neurofibromatosis, type 1 (NF1). Also called: Peripheral type neurofibromatosis; VON RECKLINGHAUSEN DISEASE; Neurofibromatosis, type I; NEUROFIBROMATOSIS, TYPE I, SOMATIC. Identifiers: Orphanet 636, MedGen C0027831, MONDO:0018975, OMIM 162200. Disease mechanism: loss of function.
Neurofibromatosis, familial spinal (FSNF). Identifiers: Orphanet 636, MedGen C1834235, MONDO:0008078, OMIM 162210. Disease mechanism: loss of function.

Submission:

Juno Genomics, Hangzhou Juno Genomics, Inc
Classification: Pathogenic for Neurofibromatosis, type 1; Juvenile myelomonocytic leukemia; Neurofibromatosis, familial spinal; Neurofibromatosis-Noonan syndrome; Café-au-lait macules with pulmonary stenosis. Review status: criteria provided, single submitter. Criteria: ACMG Guidelines, 2015. Collection method: clinical testing. Allele origin: germline.
Comment: Null variant in a gene where loss of function (LOF) is a known mechanism of disease.;Absent from controls (or at extremely low frequency if recessive) in Genome Aggregation Database.;Patient's phenotype or family history is highly specific for a disease with a single genetic etiology.